The following is an entry in ClinVar:

ClinVar aggregate classification (germline): Likely benign. Review status: criteria provided, multiple submitters, no conflicts (2 of 4 stars). 4 submissions from 4 submitters: Likely benign (4). Last evaluated 2026-04-01.

Conditions:
Autoimmune interstitial lung disease-arthritis syndrome. Also called: Autoinflammation and autoimmunity, systemic, with immune dysregulation. Identifiers: Orphanet 444092, MedGen C5975714, MONDO:0014629.

Allele frequency attached by ClinVar (database versions not stated): gnomAD exomes 0.00004 and 0.00014; ExAC 0.00015; 1000 Genomes Project 30x 0.00047; ESP Exome Variant Server 0.00054; 1000 Genomes Project 0.00060; gnomAD 0.00062 and 0.00064; TOPMed 0.00074.
gnomAD v4.1: 163 of 1,613,854 alleles (0.01%); highest among the groups gnomAD compares: African/African-American, 0.18%; 1 homozygote.

Submissions (4):

CeGaT Center for Human Genetics Tuebingen
Classification: Likely benign. Last evaluated: 2026-04-01. Review status: criteria provided, single submitter. Criteria: CeGaT Center For Human Genetics Tuebingen Variant Classification Criteria Version 2. Collection method: clinical testing. Allele origin: germline. Affected: yes. Observed: 1 variant allele.
Comment: COPA: BS1

Women's Health and Genetics/Laboratory Corporation of America, LabCorp
Classification: Likely benign. Last evaluated: 2026-03-31. Review status: criteria provided, single submitter. Criteria: LabCorp Variant Classification Summary - May 2015. Collection method: clinical testing. Allele origin: germline.

Labcorp Genetics (formerly Invitae), Labcorp
Classification: Likely benign for Autoimmune interstitial lung disease-arthritis syndrome. Last evaluated: 2025-09-27. Review status: criteria provided, single submitter. Criteria: Invitae Variant Classification Sherloc (09022015). Collection method: clinical testing. Allele origin: germline.

Blueprint Genetics
Classification: Likely benign. Last evaluated: 2022-07-26. Review status: criteria provided, single submitter. Criteria: ACMG Guidelines, 2015. Collection method: clinical testing. Allele origin: germline.

NM_004371.4(COPA):c.763G>A (p.Ala255Thr)

Gene: COPA (coat protein complex I subunit alpha; minus strand). Cytogenetic location: 1q23.2.
Variant type: single nucleotide variant.
Coding change: c.763G>A on transcript NM_004371.4 (MANE Select); coding-DNA position 763, G replaced by A.
Protein change: p.Ala255Thr; replaces alanine 255 with threonine.
Molecular consequence: missense variant.
Genome position (GRCh38, 1-based): chr1:160,314,069, C>T on the plus strand (G>A on the coding strand, the complement: COPA is on the minus strand). VCF-style: chr1-160314069-C-T. GRCh37 (hg19) VCF-style: chr1-160283859-C-T.
Other names: c.763G>A, p.Ala255Thr (NM_001098398.2); short protein forms A255T.
Identifiers: ClinVar variation 1151954 (VCV001151954.13), dbSNP rs138359166, ClinGen allele CA1198290.